The following is an entry in ClinVar:

NM_000293.3(PHKB):c.594+1dup

Gene: PHKB (phosphorylase kinase regulatory subunit beta; plus strand). Cytogenetic location: 16q12.1.
Variant type: Duplication.
Coding change: c.594+1dup on transcript NM_000293.3 (MANE Select); the canonical splice donor site of the intron after coding-DNA position 594, one base duplicated (G; older notation c.594+1dupG).
Molecular consequence: splice donor variant.
Genome position (GRCh38, 1-based): chr16:47,515,602, G duplicated; the last of 2 consecutive G bases (chr16:47,515,601-47,515,602); duplicating either gives the same sequence. VCF-style (leftmost placement, unchanged base first): chr16-47515600-A-AG. GRCh37 (hg19) VCF-style: chr16-47549511-A-AG.
Other names: c.594+1dup (NM_001363837.1); c.573+1dup (NM_001031835.3).
Identifiers: ClinVar variation 3619547 (VCV003619547.2).

ClinVar aggregate classification (germline): Likely pathogenic (1 of 4 stars; one submission).

Conditions:
Glycogen storage disease IXb (GSD9B). Also called: GLYCOGENOSIS OF LIVER AND MUSCLE, AUTOSOMAL RECESSIVE; GSD IXb; PHOSPHORYLASE KINASE DEFICIENCY OF LIVER AND MUSCLE, AUTOSOMAL RECESSIVE. Identifiers: Orphanet 79240, MedGen C0543514, MONDO:0009868, OMIM 261750.

Submission:

Labcorp Genetics (formerly Invitae), Labcorp
Classification: Likely pathogenic for Glycogen storage disease IXb. Last evaluated: 2024-03-13. Review status: criteria provided, single submitter. Criteria: Invitae Variant Classification Sherloc (09022015). Collection method: clinical testing. Allele origin: germline.
Comment: This sequence change affects a splice site in intron 6 of the PHKB gene. It is expected to disrupt RNA splicing. Variants that disrupt the donor or acceptor splice site typically lead to a loss of protein function (PMID: 16199547), and loss-of-function variants in PHKB are known to be pathogenic (PMID: 9215682, 9326319). This variant is present in population databases (no rsID available, gnomAD 0.002%). This variant has not been reported in the literature in individuals affected with PHKB-related conditions. In summary, the currently available evidence indicates that the variant is pathogenic, but additional data are needed to prove that conclusively. Therefore, this variant has been classified as Likely Pathogenic.

Literature cited by the submitters: PubMed 16199547; PubMed 9215682; PubMed 9326319.